The following is an entry in ClinVar:

ClinVar aggregate classification (germline): Uncertain significance (1 of 4 stars; one submission).

Conditions:
Amelocerebrohypohidrotic syndrome (KTZS). Also called: Kohlschutter's syndrome; EPILEPSY AND YELLOW TEETH; EPILEPSY, DEMENTIA, AND AMELOGENESIS IMPERFECTA; KOHLSCHUTTER SYNDROME. Identifiers: Orphanet 1946, MedGen C0406740, MONDO:0009185, OMIM 226750.

Submission:

Labcorp Genetics (formerly Invitae), Labcorp
Classification: Uncertain significance for Amelocerebrohypohidrotic syndrome. Last evaluated: 2019-07-23. Review status: criteria provided, single submitter. Criteria: Invitae Variant Classification Sherloc (09022015). Collection method: clinical testing. Allele origin: germline.
Comment: This variant has not been reported in the literature in individuals with ROGDI-related conditions. In summary, the available evidence is currently insufficient to determine the role of this variant in disease. Therefore, it has been classified as a Variant of Uncertain Significance. Algorithms developed to predict the effect of sequence changes on RNA splicing suggest that this variant may create or strengthen a splice site, but this prediction has not been confirmed by published transcriptional studies. Algorithms developed to predict the effect of missense changes on protein structure and function are either unavailable or do not agree on the potential impact of this missense change (SIFT: "Tolerated"; PolyPhen-2: "Possibly Damaging"; Align-GVGD: "Class C0"). This variant is not present in population databases (ExAC no frequency). This sequence change replaces threonine with arginine at codon 202 of the ROGDI protein (p.Thr202Arg). The threonine residue is moderately conserved and there is a moderate physicochemical difference between threonine and arginine.

NM_024589.3(ROGDI):c.605C>G (p.Thr202Arg)

Gene: ROGDI (rogdi atypical leucine zipper; minus strand). Cytogenetic location: 16p13.3.
Variant type: single nucleotide variant.
Coding change: c.605C>G on transcript NM_024589.3 (MANE Select); coding-DNA position 605, C replaced by G.
Protein change: p.Thr202Arg; replaces threonine 202 with arginine.
Molecular consequence: missense variant. On other transcripts: non-coding transcript variant (1).
Genome position (GRCh38, 1-based): chr16:4,798,111, G>C on the plus strand (C>G on the coding strand, the complement: ROGDI is on the minus strand). VCF-style: chr16-4798111-G-C. GRCh37 (hg19) VCF-style: chr16-4848112-G-C.
Other names: short protein forms T202R.
Identifiers: ClinVar variation 958477 (VCV000958477.9), dbSNP rs2082676560, ClinGen allele CA394650189.